The following is an entry in ClinVar:

ClinVar aggregate classification (germline): Pathogenic/Likely pathogenic. Review status: criteria provided, multiple submitters, no conflicts (2 of 4 stars). 4 submissions from 4 submitters: Pathogenic (2); Likely pathogenic (2). Last evaluated 2023-11-06.

Conditions:
Hereditary cancer-predisposing syndrome. Also called: Tumor predisposition; Neoplastic Syndromes, Hereditary; Hereditary neoplastic syndrome; Hereditary Cancer Syndrome. Identifiers: Orphanet 140162, MedGen C0027672, MeSH D009386, MONDO:0015356.
Microcephaly, normal intelligence and immunodeficiency (NBS). Also called: Microcephaly with normal intelligence immunodeficiency and lymphoreticular malignancies; Nonsyndromal microcephaly autosomal recessive with normal intelligence; Seemanova syndrome 2; SEEMANOVA SYNDROME II; BERLIN BREAKAGE SYNDROME; Immunodeficiency, microcephaly with normal intelligence. Identifiers: Orphanet 647, MedGen C0398791, MONDO:0009623, OMIM 251260.
Aplastic anemia. Identifiers: Orphanet 182040, Orphanet 88, MedGen C0002874, MONDO:0015909, OMIM 609135, HP:0001915.

Submissions (4):

Ambry Genetics
Classification: Pathogenic for Hereditary cancer-predisposing syndrome. Last evaluated: 2023-11-06. Review status: criteria provided, single submitter. Criteria: Ambry Variant Classification Scheme 2023. Collection method: clinical testing. Allele origin: germline.
Comment: The p.E194* pathogenic mutation (also known as c.580G>T), located in coding exon 5 of the NBN gene, results from a G to T substitution at nucleotide position 580. This changes the amino acid from a glutamic acid to a stop codon within coding exon 5. This alteration is expected to result in loss of function by premature protein truncation or nonsense-mediated mRNA decay. As such, this alteration is interpreted as a disease-causing mutation.

GeneDx
Classification: Likely pathogenic. Last evaluated: 2022-08-10. Review status: criteria provided, single submitter. Criteria: GeneDx Variant Classification Process June 2021. Collection method: clinical testing. Allele origin: germline. Affected: yes.
Comment: Nonsense variant predicted to result in protein truncation or nonsense mediated decay in a gene for which loss of function is a known mechanism of disease; Not observed at significant frequency in large population cohorts (gnomAD); This variant is associated with the following publications: (PMID: 32427313)

Baylor Genetics
Classification: Likely pathogenic for Aplastic anemia. Last evaluated: 2022-03-30. Review status: criteria provided, single submitter. Criteria: ACMG Guidelines, 2015. Collection method: clinical testing. Allele origin: unknown.

Labcorp Genetics (formerly Invitae), Labcorp
Classification: Pathogenic for Microcephaly, normal intelligence and immunodeficiency. Last evaluated: 2021-10-09. Review status: criteria provided, single submitter. Criteria: Invitae Variant Classification Sherloc (09022015). Collection method: clinical testing. Allele origin: germline.
Comment: For these reasons, this variant has been classified as Pathogenic. Loss-of-function variants in NBN are known to be pathogenic (PMID: 9590180, 16415040). This variant has not been reported in the literature in individuals with NBN-related conditions. This variant is not present in population databases (ExAC no frequency). This sequence change creates a premature translational stop signal (p.Glu194*) in the NBN gene. It is expected to result in an absent or disrupted protein product.

Literature cited by the submitters: PubMed 9590180 (cited by Labcorp Genetics (formerly Invitae), Labcorp); PubMed 16415040 (cited by Labcorp Genetics (formerly Invitae), Labcorp).

NM_002485.5(NBN):c.580G>T (p.Glu194Ter)

Gene: NBN (nibrin; minus strand). Cytogenetic location: 8q21.3.
Variant type: single nucleotide variant.
Coding change: c.580G>T on transcript NM_002485.5 (MANE Select); coding-DNA position 580, G replaced by T.
Protein change: p.Glu194Ter; replaces glutamic acid 194 with a stop codon.
Molecular consequence: nonsense.
Genome position (GRCh38, 1-based): chr8:89,978,224, C>A on the plus strand (G>T on the coding strand, the complement: NBN is on the minus strand). VCF-style: chr8-89978224-C-A. GRCh37 (hg19) VCF-style: chr8-90990452-C-A.
Other names: c.334G>T, p.Glu112Ter (NM_001024688.3); short protein forms E112*, E194*.
Identifiers: ClinVar variation 1068887 (VCV001068887.10), dbSNP rs1554566610, ClinGen allele CA371660081.